The following is an entry in ClinVar:

NM_003906.5(MCM3AP):c.5276C>A (p.Pro1759His)

Genes: MCM3AP (minichromosome maintenance complex component 3 associated protein; minus strand), MCM3AP-AS1 (MCM3AP antisense RNA 1; plus strand). Cytogenetic location: 21q22.3.
Variant type: single nucleotide variant.
Coding change: c.5276C>A on transcript NM_003906.5 (MANE Select); coding-DNA position 5276, C replaced by A.
Protein change: p.Pro1759His; replaces proline 1759 with histidine.
Molecular consequence: missense variant.
Genome position (GRCh38, 1-based): chr21:46,243,485, G>T on the plus strand (C>A on the coding strand, the complement: MCM3AP is on the minus strand). VCF-style: chr21-46243485-G-T. GRCh37 (hg19) VCF-style: chr21-47663399-G-T.
Other names: short protein forms P1759H.
Identifiers: ClinVar variation 1389845 (VCV001389845.6), dbSNP rs201207310, ClinGen allele CA10075915.

ClinVar aggregate classification (germline): Uncertain significance (1 of 4 stars; one submission).

gnomAD v4.1: 5 of 1,611,886 alleles (0.00031%); highest among the groups gnomAD compares: East Asian, 0.0022%; no homozygotes.

Submission:

Labcorp Genetics (formerly Invitae), Labcorp
Classification: Uncertain significance. Last evaluated: 2021-11-04. Review status: criteria provided, single submitter. Criteria: Invitae Variant Classification Sherloc (09022015). Collection method: clinical testing. Allele origin: germline.
Comment: In summary, the available evidence is currently insufficient to determine the role of this variant in disease. Therefore, it has been classified as a Variant of Uncertain Significance. Algorithms developed to predict the effect of missense changes on protein structure and function are either unavailable or do not agree on the potential impact of this missense change (SIFT: "Deleterious"; PolyPhen-2: "Probably Damaging"; Align-GVGD: "Class C0"). This variant has not been reported in the literature in individuals affected with MCM3AP-related conditions. This variant is present in population databases (rs201207310, gnomAD 0.006%). This sequence change replaces proline, which is neutral and non-polar, with histidine, which is basic and polar, at codon 1759 of the MCM3AP protein (p.Pro1759His).